The following is an entry in ClinVar:

ClinVar aggregate classification (germline): Uncertain significance (1 of 4 stars; one submission).

gnomAD v4.1: 4 of 1,609,638 alleles (0.00025%); highest among the groups gnomAD compares: African/African-American, 0.0053%; no homozygotes.

Submission:

Ambry Genetics
Classification: Uncertain significance. Last evaluated: 2025-04-07. Review status: criteria provided, single submitter. Criteria: Ambry Variant Classification Scheme 2023. Collection method: clinical testing. Allele origin: germline.
Comment: The p.L642P variant (also known as c.1925T>C), located in coding exon 19 of the NEBL gene, results from a T to C substitution at nucleotide position 1925. The leucine at codon 642 is replaced by proline, an amino acid with similar properties. This amino acid position is conserved. In addition, the in silico prediction for this alteration is inconclusive. Based on the available evidence, the clinical significance of this variant remains unclear.

NM_006393.3(NEBL):c.1925T>C (p.Leu642Pro)

Gene: NEBL (nebulette; minus strand). Cytogenetic location: 10p12.31.
Variant type: single nucleotide variant.
Coding change: c.1925T>C on transcript NM_006393.3 (MANE Select); coding-DNA position 1925, T replaced by C.
Protein change: p.Leu642Pro; replaces leucine 642 with proline.
Molecular consequence: missense variant. On other transcripts: intron variant (9).
Genome position (GRCh38, 1-based): chr10:20,823,245, A>G on the plus strand (T>C on the coding strand, the complement: NEBL is on the minus strand). VCF-style: chr10-20823245-A-G. GRCh37 (hg19) VCF-style: chr10-21112174-A-G.
Other names: c.250-10305T>C (NM_001377326.1, NM_001377327.1, NM_001377328.1); c.358-10305T>C (NM_213569.2, NM_001173484.2, NM_001377322.1); c.301-10305T>C (NM_001377324.1); c.292-10305T>C (NM_001377325.1); c.310-10305T>C (NM_001377323.1); short protein forms L642P.
Identifiers: ClinVar variation 3918547 (VCV003918547.1).